The following is an entry in ClinVar:

NM_015311.3(OBSL1):c.4429G>A (p.Ala1477Thr)

Gene: OBSL1 (obscurin like cytoskeletal adaptor 1; minus strand). Cytogenetic location: 2q35.
Variant type: single nucleotide variant.
Coding change: c.4429G>A on transcript NM_015311.3 (MANE Select); coding-DNA position 4429, G replaced by A.
Protein change: p.Ala1477Thr; replaces alanine 1477 with threonine.
Molecular consequence: missense variant.
Genome position (GRCh38, 1-based): chr2:219,556,200, C>T on the plus strand (G>A on the coding strand, the complement: OBSL1 is on the minus strand). VCF-style: chr2-219556200-C-T. GRCh37 (hg19) VCF-style: chr2-220420922-C-T.
Other names: c.4429G>A, p.Ala1477Thr (NM_001173431.2); short protein forms A1477T.
Identifiers: ClinVar variation 897586 (VCV000897586.18), dbSNP rs199936876, ClinGen allele CA2130550.
Genomic context (GRCh38, chr2:219,556,200, plus strand): 5'-ACAGGCGAGAGTCGTGGGGCAGGGGCTGCCCACCTCGCACCCAGCGCACGGCCCCCGCTG[C>T]ACCCACTCGGCCTGTCTCCACTTCGAGACACACATCCTGGCCTTCCTCTGCCCGCACATC-3'
Protein context (NP_056126.1, residues 1467-1487): CLEVETGRVG[Ala1477Thr]AGAVRWVRGG

ClinVar aggregate classification (germline): Conflicting classifications of pathogenicity. Review status: criteria provided, conflicting classifications (1 of 4 stars). 6 submissions from 6 submitters: Uncertain significance (2); Likely benign (2). 2 of the submissions do not count toward it. Last evaluated 2026-02-04.

Conditions:
3M syndrome 2. Also called: 3-M Syndrome, OBSL1-Related; THREE M SYNDROME 2. Identifiers: Orphanet 2616, MedGen C2752041, MONDO:0013039, OMIM 612921.

Allele frequency attached by ClinVar (database versions not stated): 1000 Genomes Project 30x 0.00062; ESP Exome Variant Server 0.00079; 1000 Genomes Project 0.00080; TOPMed 0.00111; gnomAD 0.00114 and 0.00115; gnomAD exomes 0.00130 and 0.00169; ExAC 0.00143.
gnomAD v4.1: 2,618 of 1,612,046 alleles (0.16%); highest among the groups gnomAD compares: Non-Finnish European, 0.2%; 2 homozygotes.

Submissions (6):

Labcorp Genetics (formerly Invitae), Labcorp
Classification: Likely benign. Last evaluated: 2026-02-04. Review status: criteria provided, single submitter. Criteria: Invitae Variant Classification Sherloc (09022015). Collection method: clinical testing. Allele origin: germline.

Women's Health and Genetics/Laboratory Corporation of America, LabCorp
Classification: Likely benign. Last evaluated: 2025-01-09. Review status: criteria provided, single submitter. Criteria: LabCorp Variant Classification Summary - May 2015. Collection method: clinical testing. Allele origin: germline.
Comment: Variant summary: OBSL1 c.4429G>A (p.Ala1477Thr) results in a non-conservative amino acid change located in the Ig-like domain profile (IPR007110) of the encoded protein sequence. Four of five in-silico tools predict a benign effect of the variant on protein function. The variant allele was found at a frequency of 0.0013 in 242992 control chromosomes. The observed variant frequency is higher than the estimated maximal expected allele frequency for a pathogenic variant in OBSL1 causing Three M Syndrome 2 phenotype (0.0011). To our knowledge, no occurrence of c.4429G>A in individuals affected with Three M Syndrome 2 and no experimental evidence demonstrating its impact on protein function have been reported. ClinVar contains an entry for this variant (Variation ID: 897586). Based on the evidence outlined above, the variant was classified as likely benign.

GeneDx
Classification: Uncertain significance. Last evaluated: 2022-12-27. Review status: criteria provided, single submitter. Criteria: GeneDx Variant Classification Process June 2021. Collection method: clinical testing. Allele origin: germline. Affected: yes.
Comment: In silico analysis supports that this missense variant does not alter protein structure/function; Observed in the heterozygous state in a family with dementia with Lewy bodies, although this variant was also identified in control individuals (Boaerts et al., 2007; Meeus et al., 2010); This variant is associated with the following publications: (PMID: 20164589, 17681982)

Illumina Laboratory Services, Illumina
Classification: Uncertain significance for 3M syndrome 2. Last evaluated: 2017-04-27. Review status: criteria provided, single submitter. Criteria: ICSL Variant Classification Criteria 13 December 2019. Collection method: clinical testing. Allele origin: germline.
Comment: This variant was observed as part of a predisposition screen in an ostensibly healthy population. A literature search was performed for the gene, cDNA change, and amino acid change (where applicable). Publications were found based on this search. However, the evidence from the literature, in combination with allele frequency data from public databases where available, was not sufficient to rule this variant in or out of causing disease. Therefore, this variant is classified as a variant of unknown significance.

Clinical Genetics DNA and cytogenetics Diagnostics Lab, Erasmus MC, Erasmus Medical Center
Classification: Likely benign. Review status: no assertion criteria provided. Collection method: clinical testing. Allele origin: germline. Affected: yes. Study: VKGL Data-share Consensus. Not counted in ClinVar's aggregate classification.

Laboratory of Diagnostic Genome Analysis, Leiden University Medical Center (LUMC)
Classification: Likely benign. Review status: no assertion criteria provided. Collection method: clinical testing. Allele origin: germline. Affected: yes. Study: VKGL Data-share Consensus. Not counted in ClinVar's aggregate classification.

Literature cited by the submitters: PubMed 17681982 (cited by Illumina Laboratory Services, Illumina); PubMed 20164589 (cited by Illumina Laboratory Services, Illumina).